The following is an entry in ClinVar:

ClinVar aggregate classification (germline): Uncertain significance. Review status: criteria provided, multiple submitters, no conflicts (2 of 4 stars). 2 submissions from 2 submitters: Uncertain significance (2). Last evaluated 2025-04-10.

Allele frequency attached by ClinVar (database versions not stated): ESP Exome Variant Server 0.00008; TOPMed 0.00004.
gnomAD v4.1: 87 of 1,589,100 alleles (0.0055%); highest among the groups gnomAD compares: Middle Eastern, 0.022%; no homozygotes.

Submissions (2):

Ambry Genetics
Classification: Uncertain significance. Last evaluated: 2025-04-10. Review status: criteria provided, single submitter. Criteria: Ambry Variant Classification Scheme 2023. Collection method: clinical testing. Allele origin: germline.

Labcorp Genetics (formerly Invitae), Labcorp
Classification: Uncertain significance. Last evaluated: 2022-03-22. Review status: criteria provided, single submitter. Criteria: Invitae Variant Classification Sherloc (09022015). Collection method: clinical testing. Allele origin: germline.
Comment: This sequence change replaces proline, which is neutral and non-polar, with threonine, which is neutral and polar, at codon 25 of the WNT2B protein (p.Pro25Thr). This variant is present in population databases (rs374417605, gnomAD 0.008%). This variant has not been reported in the literature in individuals affected with WNT2B-related conditions. Algorithms developed to predict the effect of missense changes on protein structure and function (SIFT, PolyPhen-2, Align-GVGD) all suggest that this variant is likely to be tolerated. In summary, the available evidence is currently insufficient to determine the role of this variant in disease. Therefore, it has been classified as a Variant of Uncertain Significance.

NM_024494.3(WNT2B):c.73C>A (p.Pro25Thr)

Genes: WNT2B (Wnt family member 2B; plus strand), LOC122094899 (Sharpr-MPRA regulatory region 8072; plus strand). Cytogenetic location: 1p13.2.
Variant type: single nucleotide variant.
Coding change: c.73C>A on transcript NM_024494.3 (MANE Select); coding-DNA position 73, C replaced by A.
Protein change: p.Pro25Thr; replaces proline 25 with threonine.
Molecular consequence: missense variant. On other transcripts: intron variant (2).
Genome position (GRCh38, 1-based): chr1:112,509,335, C>A. VCF-style: chr1-112509335-C-A. GRCh37 (hg19) VCF-style: chr1-113051957-C-A.
Other names: c.126-5539C>A (NM_004185.4); c.-94-5539C>A (NM_001291880.1); c.73C>A (NM_024494.2); short protein forms P25T.
Identifiers: ClinVar variation 1977921 (VCV001977921.3), dbSNP rs374417605, ClinGen allele CA1008168.
Genomic context (GRCh38, chr1:112,509,335, plus strand): 5'-GGTGGTGCGGAGGAAGCTGCGCAGCTCCCGCTTCGGCGCGCCAGCGCCCCGGTCCCTGTG[C>A]CGTCGCCCGCGGCCCCCGACGGCTCCCGGGCTTCGGCCCGCCTAGGTCTTGCCTGCCTTC-3'
Protein context (NP_078613.1, residues 15-35): LRRASAPVPV[Pro25Thr]SPAAPDGSRA